The following is an entry in ClinVar:

ClinVar aggregate classification (germline): Uncertain significance (1 of 4 stars; one submission).

Conditions:
Inborn genetic diseases. Identifiers: MedGen C0950123, MeSH D030342.

Submission:

Ambry Genetics
Classification: Uncertain significance for Inborn genetic diseases. Last evaluated: 2025-03-03. Review status: criteria provided, single submitter. Criteria: Ambry Variant Classification Scheme 2023. Collection method: clinical testing. Allele origin: germline.
Comment: The p.V499F variant (also known as c.1495G>T), located in coding exon 16 of the FANCA gene, results from a G to T substitution at nucleotide position 1495. The valine at codon 499 is replaced by phenylalanine, an amino acid with highly similar properties. This amino acid position is conserved. In addition, this alteration is predicted to be deleterious by in silico analysis. Based on the available evidence, the clinical significance of this variant remains unclear.

NM_000135.4(FANCA):c.1495G>T (p.Val499Phe)

Gene: FANCA (FA complementation group A; minus strand). Cytogenetic location: 16q24.3.
Variant type: single nucleotide variant.
Coding change: c.1495G>T on transcript NM_000135.4 (MANE Select); coding-DNA position 1495, G replaced by T.
Protein change: p.Val499Phe; replaces valine 499 with phenylalanine.
Molecular consequence: missense variant.
Genome position (GRCh38, 1-based): chr16:89,783,078, C>A on the plus strand (G>T on the coding strand, the complement: FANCA is on the minus strand). VCF-style: chr16-89783078-C-A. GRCh37 (hg19) VCF-style: chr16-89849486-C-A.
Other names: c.1495G>T, p.Val499Phe (NM_001286167.3); short protein forms V499F.
Identifiers: ClinVar variation 3848283 (VCV003848283.1).
Genomic context (GRCh38, chr16:89,783,078, plus strand): 5'-CCAGCCGTGTCTTGGCCAATGAGATGTAGTCTGTGAGGAGGGAGCGGTACTTGCCGGGAA[C>A]CAGGGGTGGGTGGAGAATGTGCACCTGAGGATAGATAGCAGAGCGCAGCACCGTTAGTCT-3'
Protein context (NP_000126.2, residues 489-509): LQVHILHPPL[Val499Phe]PGKYRSLLTD